The following is an entry in ClinVar:

NM_003072.5(SMARCA4):c.1913A>C (p.Gln638Pro)

Gene: SMARCA4 (SWI/SNF related BAF chromatin remodeling complex subunit ATPase 4; plus strand). Cytogenetic location: 19p13.2.
Variant type: single nucleotide variant.
Coding change: c.1913A>C on transcript NM_003072.5 (MANE Select); coding-DNA position 1913, A replaced by C.
Protein change: p.Gln638Pro; replaces glutamine 638 with proline.
Molecular consequence: missense variant. On other transcripts: non-coding transcript variant (1).
Genome position (GRCh38, 1-based): chr19:11,003,129, A>C. VCF-style: chr19-11003129-A-C. GRCh37 (hg19) VCF-style: chr19-11113805-A-C.
Other names: c.1913A>C, p.Gln638Pro (NM_001128845.2, NM_001128844.3, NM_001128846.2 and 5 more transcripts); short protein forms Q638P.
Identifiers: ClinVar variation 480695 (VCV000480695.5), dbSNP rs1555768417, ClinGen allele CA404051659.

ClinVar aggregate classification (germline): Uncertain significance (1 of 4 stars; one submission).

Conditions:
Hereditary cancer-predisposing syndrome. Also called: Hereditary Cancer Syndrome; Neoplastic Syndromes, Hereditary; Tumor predisposition; Hereditary neoplastic syndrome. Identifiers: Orphanet 140162, MedGen C0027672, MeSH D009386, MONDO:0015356.

Submission:

Ambry Genetics
Classification: Uncertain significance for Hereditary cancer-predisposing syndrome. Last evaluated: 2017-08-01. Review status: criteria provided, single submitter. Criteria: Ambry Variant Classification Scheme 2023. Collection method: clinical testing. Allele origin: germline.
Comment: The p.Q638P variant (also known as c.1913A>C), located in coding exon 11 of the SMARCA4 gene, results from an A to C substitution at nucleotide position 1913. The glutamine at codon 638 is replaced by proline, an amino acid with similar properties. This amino acid position is highly conserved in available vertebrate species. In addition, the in silico prediction for this alteration is inconclusive. Since supporting evidence is limited at this time, the clinical significance of this alteration remains unclear.